The following is an entry in ClinVar:

NM_005732.4(RAD50):c.3479T>C (p.Ile1160Thr)

Genes: RAD50 (RAD50 double strand break repair protein; plus strand), TH2-LCR (Th2 cytokine locus control region; plus strand), TH2LCRR (T helper type 2 locus control region associated RNA; minus strand). Cytogenetic location: 5q31.1.
Variant type: single nucleotide variant.
Coding change: c.3479T>C on transcript NM_005732.4 (MANE Select); coding-DNA position 3479, T replaced by C.
Protein change: p.Ile1160Thr; replaces isoleucine 1160 with threonine.
Molecular consequence: missense variant. On other transcripts: non-coding transcript variant (2).
Genome position (GRCh38, 1-based): chr5:132,638,084, T>C. VCF-style: chr5-132638084-T-C. GRCh37 (hg19) VCF-style: chr5-131973776-T-C.
Other names: short protein forms I1160T.
Identifiers: ClinVar variation 853638 (VCV000853638.11), dbSNP rs1751628367, ClinGen allele CA360931026.

ClinVar aggregate classification (germline): Uncertain significance. Review status: criteria provided, multiple submitters, no conflicts (2 of 4 stars). 2 submissions from 2 submitters: Uncertain significance (2). Last evaluated 2025-11-30.

Conditions:
Hereditary cancer-predisposing syndrome. Also called: Neoplastic Syndromes, Hereditary; Hereditary Cancer Syndrome; Tumor predisposition; Hereditary neoplastic syndrome. Identifiers: Orphanet 140162, MedGen C0027672, MeSH D009386, MONDO:0015356.

Allele frequency attached by ClinVar (database versions not stated): TOPMed below 0.00001.

Submissions (2):

Labcorp Genetics (formerly Invitae), Labcorp
Classification: Uncertain significance for Hereditary cancer-predisposing syndrome. Last evaluated: 2025-11-30. Review status: criteria provided, single submitter. Criteria: Invitae Variant Classification Sherloc (09022015). Collection method: clinical testing. Allele origin: germline.
Comment: This sequence change replaces isoleucine, which is neutral and non-polar, with threonine, which is neutral and polar, at codon 1160 of the RAD50 protein (p.Ile1160Thr). This variant is not present in population databases (gnomAD no frequency). This variant has not been reported in the literature in individuals affected with RAD50-related conditions. ClinVar contains an entry for this variant (Variation ID: 853638). Invitae Evidence Modeling of protein sequence and biophysical properties (such as structural, functional, and spatial information, amino acid conservation, physicochemical variation, residue mobility, and thermodynamic stability) indicates that this missense variant is expected to disrupt RAD50 protein function with a positive predictive value of 80%. In summary, the available evidence is currently insufficient to determine the role of this variant in disease. Therefore, it has been classified as a Variant of Uncertain Significance.

Ambry Genetics
Classification: Uncertain significance for Hereditary cancer-predisposing syndrome. Last evaluated: 2025-05-31. Review status: criteria provided, single submitter. Criteria: Ambry Variant Classification Scheme 2023. Collection method: clinical testing. Allele origin: germline.
Comment: The p.I1160T variant (also known as c.3479T>C), located in coding exon 23 of the RAD50 gene, results from a T to C substitution at nucleotide position 3479. The isoleucine at codon 1160 is replaced by threonine, an amino acid with similar properties. This amino acid position is conserved. In addition, the in silico prediction for this alteration is inconclusive. Since supporting evidence is limited at this time, the clinical significance of this alteration remains unclear.